The following is an entry in ClinVar:

ClinVar aggregate classification (germline): Uncertain significance. Review status: criteria provided, multiple submitters, no conflicts (2 of 4 stars). 4 submissions from 4 submitters: Uncertain significance (4). Last evaluated 2025-06-22.

Conditions:
Immunodeficiency 36 with lymphoproliferation. Also called: Activated PI3K Delta Syndrome Type 2 (APDS2); Immunodeficiency 36; ACTIVATED PI3K-DELTA SYNDROME 2. Identifiers: Orphanet 397596, Orphanet 693681, MedGen C4014934, MONDO:0014453, OMIM 616005.
Agammaglobulinemia 7, autosomal recessive (AGM7). Also called: AGAMMAGLOBULINEMIA, AUTOSOMAL RECESSIVE, DUE TO PIK3R1 DEFECT. Identifiers: MedGen C3554689, MONDO:0014083, OMIM 615214.
SHORT syndrome. Also called: SHORT STATURE, HYPEREXTENSIBILITY, HERNIA, OCULAR DEPRESSION, RIEGER ANOMALY, AND TEETHING DELAY; LIPODYSTROPHY, PARTIAL, WITH RIEGER ANOMALY AND SHORT STATURE; PIK3R1-Related SHORT Syndrome. Identifiers: Orphanet 3163, MedGen C0878684, MONDO:0010026, OMIM 269880.
Inborn genetic diseases. Identifiers: MedGen C0950123, MeSH D030342.
PIK3R1-related disorder. Also called: PIK3R1-related condition.

gnomAD v4.1: 31 of 1,613,824 alleles (0.0019%); highest among the groups gnomAD compares: Middle Eastern, 0.066%; no homozygotes.

Submissions (4):

Labcorp Genetics (formerly Invitae), Labcorp
Classification: Uncertain significance for SHORT syndrome; Immunodeficiency 36 with lymphoproliferation; Agammaglobulinemia 7, autosomal recessive. Last evaluated: 2025-06-22. Review status: criteria provided, single submitter. Criteria: Invitae Variant Classification Sherloc (09022015). Collection method: clinical testing. Allele origin: germline.
Comment: This sequence change replaces valine, which is neutral and non-polar, with leucine, which is neutral and non-polar, at codon 136 of the PIK3R1 protein (p.Val136Leu). This variant is present in population databases (rs539374043, gnomAD 0.006%). This variant has not been reported in the literature in individuals affected with PIK3R1-related conditions. ClinVar contains an entry for this variant (Variation ID: 1408501). An algorithm developed to predict the effect of missense changes on protein structure and function outputs the following: PolyPhen-2: "Benign". The leucine amino acid residue is found in multiple mammalian species, which suggests that this missense change does not adversely affect protein function. In summary, the available evidence is currently insufficient to determine the role of this variant in disease. Therefore, it has been classified as a Variant of Uncertain Significance.

PreventionGenetics, part of Exact Sciences
Classification: Uncertain significance for PIK3R1-related condition. Last evaluated: 2024-10-30. Review status: criteria provided, single submitter. Criteria: ACMG Guidelines, 2015. Collection method: clinical testing. Allele origin: germline.
Comment: The PIK3R1 c.406G>C variant is predicted to result in the amino acid substitution p.Val136Leu. To our knowledge, this variant has not been reported in the literature. This variant is reported in 0.0050% of alleles in individuals of East Asian descent in gnomAD. At this time, the clinical significance of this variant is uncertain due to the absence of conclusive functional and genetic evidence.

Ambry Genetics
Classification: Uncertain significance for Inborn genetic diseases. Last evaluated: 2023-10-27. Review status: criteria provided, single submitter. Criteria: Ambry Variant Classification Scheme 2023. Collection method: clinical testing. Allele origin: germline.

Breakthrough Genomics
Classification: Uncertain significance. Review status: criteria provided, single submitter. Criteria: ACMG Guidelines, 2015. Collection method: not provided. Allele origin: germline. Inheritance: Autosomal recessive inheritance. Affected: yes.

NM_181523.3(PIK3R1):c.406G>C (p.Val136Leu)

Gene: PIK3R1 (phosphoinositide-3-kinase regulatory subunit 1; plus strand). Cytogenetic location: 5q13.1.
Variant type: single nucleotide variant.
Coding change: c.406G>C on transcript NM_181523.3 (MANE Select); coding-DNA position 406, G replaced by C.
Protein change: p.Val136Leu; replaces valine 136 with leucine.
Molecular consequence: missense variant.
Genome position (GRCh38, 1-based): chr5:68,273,461, G>C. VCF-style: chr5-68273461-G-C. GRCh37 (hg19) VCF-style: chr5-67569289-G-C.
Other names: c.406G>C (NM_181523.2); short protein forms V136L.
Identifiers: ClinVar variation 1408501 (VCV001408501.12), dbSNP rs539374043, ClinGen allele CA3290007.